The following is an entry in ClinVar:

NM_001032.5(RPS29):c.163-14dup

Gene: RPS29 (ribosomal protein S29; minus strand). Cytogenetic location: 14q21.3.
Variant type: Duplication.
Coding change: c.163-14dup on transcript NM_001032.5 (MANE Select); 14 bases into the intron before coding-DNA position 163, one base duplicated (T; older notation c.163-14dupT).
Molecular consequence: intron variant.
Genome position (GRCh38, 1-based): chr14:49,583,679, A duplicated on the plus strand (T on the coding strand, the reverse complement: RPS29 is on the minus strand); the first of 11 consecutive A bases (chr14:49,583,679-49,583,689); duplicating any one gives the same sequence. VCF-style (leftmost placement, unchanged base first): chr14-49583678-G-GA. GRCh37 (hg19) VCF-style: chr14-50050396-G-GA.
Other names: p.?; c.162+2261dup (NM_001030001.4); c.154-14dup (NM_001351375.2); c.163-4dup (NM_001032.4).
Identifiers: ClinVar variation 1248271 (VCV001248271.9), dbSNP rs373877728, ClinGen allele CA7171879.

ClinVar aggregate classification (germline): Benign/Likely benign. Review status: criteria provided, multiple submitters, no conflicts (2 of 4 stars). 4 submissions from 4 submitters: Benign (3); Likely benign (1). Last evaluated 2025-12-20.

Submissions (4):

Labcorp Genetics (formerly Invitae), Labcorp
Classification: Benign. Last evaluated: 2025-12-20. Review status: criteria provided, single submitter. Criteria: Invitae Variant Classification Sherloc (09022015). Collection method: clinical testing. Allele origin: germline.

Mayo Clinic Laboratories, Mayo Clinic
Classification: Benign. Last evaluated: 2025-09-15. Review status: criteria provided, single submitter. Criteria: ACMG Guidelines, 2015. Collection method: clinical testing. Allele origin: germline. Observed: 6 variant alleles.
Comment: BA1, BP7

Blueprint Genetics
Classification: Likely benign. Last evaluated: 2024-11-27. Review status: criteria provided, single submitter. Criteria: ACMG Guidelines, 2015. Collection method: clinical testing. Allele origin: germline.

GeneDx
Classification: Benign. Last evaluated: 2019-08-06. Review status: criteria provided, single submitter. Criteria: GeneDx Variant Classification Process June 2021. Collection method: clinical testing. Allele origin: germline. Affected: yes.